The following is an entry in ClinVar:

NM_001458.5(FLNC):c.608G>A (p.Cys203Tyr)

Gene: FLNC (filamin C; plus strand). Cytogenetic location: 7q32.1.
Variant type: single nucleotide variant.
Coding change: c.608G>A on transcript NM_001458.5 (MANE Select); coding-DNA position 608, G replaced by A.
Protein change: p.Cys203Tyr; replaces cysteine 203 with tyrosine.
Molecular consequence: missense variant.
Genome position (GRCh38, 1-based): chr7:128,837,166, G>A. VCF-style: chr7-128837166-G-A. GRCh37 (hg19) VCF-style: chr7-128477220-G-A.
Other names: c.608G>A, p.Cys203Tyr (NM_001127487.2); short protein forms C203Y.
Identifiers: ClinVar variation 3233257 (VCV003233257.2), dbSNP rs2536617485.

ClinVar aggregate classification (germline): Likely pathogenic (1 of 4 stars; one submission).

Conditions:
Nemaline myopathy. Also called: Myopathies, Nemaline. Identifiers: Orphanet 607, MedGen C0206157, MONDO:0018958.

Submission:

Muscle and Diseases Team, Institut de Génétique et Biologie Moléculaire et Cellulaire
Classification: Likely pathogenic for Nemaline myopathy. Last evaluated: 2024-03-01. Review status: criteria provided, single submitter. Criteria: ACMG Guidelines, 2015. Collection method: research. Allele origin: maternal. Affected: yes. Observed: 1 variant allele.
Comment: PM1+PM2+PP3+PP4

Literature cited by the submitters: DOI 10.1186/s13073-024-01353-0; PubMed 32607581.